The following is an entry in ClinVar:

NM_025179.4(PLXNA2):c.4756C>A (p.His1586Asn)

Gene: PLXNA2 (plexin A2; minus strand). Cytogenetic location: 1q32.2.
Variant type: single nucleotide variant.
Coding change: c.4756C>A on transcript NM_025179.4 (MANE Select); coding-DNA position 4756, C replaced by A.
Protein change: p.His1586Asn; replaces histidine 1586 with asparagine.
Molecular consequence: missense variant.
Genome position (GRCh38, 1-based): chr1:208,038,379, G>T on the plus strand (C>A on the coding strand, the complement: PLXNA2 is on the minus strand). VCF-style: chr1-208038379-G-T. GRCh37 (hg19) VCF-style: chr1-208211724-G-T.
Other names: short protein forms H1586N.
Identifiers: ClinVar variation 3347205 (VCV003347205.1).

ClinVar aggregate classification (germline): Uncertain significance (0 of 4 stars; one submission).

Conditions:
PLXNA2-related disorder. Also called: PLXNA2-related condition.

Submission:

PreventionGenetics, part of Exact Sciences
Classification: Uncertain significance for PLXNA2-related condition. Last evaluated: 2024-08-24. Review status: no assertion criteria provided. Collection method: clinical testing. Allele origin: germline.
Comment: The PLXNA2 c.4756C>A variant is predicted to result in the amino acid substitution p.His1586Asn. To our knowledge, this variant has not been reported in the literature or in a large population database, indicating this variant is rare. At this time, the clinical significance of this variant is uncertain due to the absence of conclusive functional and genetic evidence.